The following is an entry in ClinVar:

NM_001007553.3(CSDE1):c.1112G>A (p.Arg371His)

Gene: CSDE1 (cold shock domain containing E1; minus strand). Cytogenetic location: 1p13.2.
Variant type: single nucleotide variant.
Coding change: c.1112G>A on transcript NM_001007553.3 (MANE Select); coding-DNA position 1112, G replaced by A.
Protein change: p.Arg371His; replaces arginine 371 with histidine.
Molecular consequence: missense variant.
Genome position (GRCh38, 1-based): chr1:114,730,587, C>T on the plus strand (G>A on the coding strand, the complement: CSDE1 is on the minus strand). VCF-style: chr1-114730587-C-T. GRCh37 (hg19) VCF-style: chr1-115273208-C-T.
Other names: c.1157G>A, p.Arg386His (NM_001130523.3); c.1250G>A, p.Arg417His (NM_001242891.2); c.1112G>A, p.Arg371His (NM_001242892.2); c.1019G>A, p.Arg340His (NM_001242893.2, NM_007158.6); short protein forms R371H, R340H, R386H, R417H.
Identifiers: ClinVar variation 4983010 (VCV004983010.1).

ClinVar aggregate classification (germline): Uncertain significance (1 of 4 stars; one submission).

Conditions:
CSDE1-related disorder. Also called: CSDE1-related condition.

Submission:

PreventionGenetics, part of Exact Sciences
Classification: Uncertain significance for CSDE1-related condition. Last evaluated: 2025-11-22. Review status: criteria provided, single submitter. Criteria: ACMG Guidelines, 2015. Collection method: clinical testing. Allele origin: germline.
Comment: The CSDE1 c.1157G>A variant is predicted to result in the amino acid substitution p.Arg386His. To our knowledge, this variant has not been reported in the literature. This variant is reported in 0.0062% of alleles in individuals of African descent in gnomAD. At this time, the clinical significance of this variant is uncertain due to the absence of conclusive functional and genetic evidence.